The following is an entry in ClinVar:

ClinVar aggregate classification (germline): Benign/Likely benign. Review status: criteria provided, multiple submitters, no conflicts (2 of 4 stars). 9 submissions from 9 submitters: Benign (3); Likely benign (6). Last evaluated 2026-02-01.

Conditions:
Cardiovascular phenotype. Identifiers: MedGen CN230736.
RASopathy. Also called: rasopathies; Noonan spectrum disorder. Identifiers: Orphanet 536391, MedGen C5555857, MONDO:0021060.

Submissions (9):

Labcorp Genetics (formerly Invitae), Labcorp
Classification: Likely benign for RASopathy. Last evaluated: 2026-02-01. Review status: criteria provided, single submitter. Criteria: Invitae Variant Classification Sherloc (09022015). Collection method: clinical testing. Allele origin: germline.

Ambry Genetics
Classification: Likely benign for Cardiovascular phenotype. Last evaluated: 2026-01-23. Review status: criteria provided, single submitter. Criteria: Ambry Variant Classification Scheme 2023. Collection method: clinical testing. Allele origin: germline.

CeGaT Center for Human Genetics Tuebingen
Classification: Benign. Last evaluated: 2026-01-01. Review status: criteria provided, single submitter. Criteria: CeGaT Center For Human Genetics Tuebingen Variant Classification Criteria Version 2. Collection method: clinical testing. Allele origin: germline. Affected: yes. Observed: 4 variant alleles.
Comment: CBL: BS1, BS2

ARUP Laboratories, Molecular Genetics and Genomics, ARUP Laboratories
Classification: Likely benign. Last evaluated: 2025-02-21. Review status: criteria provided, single submitter. Criteria: ARUP Molecular Germline Variant Investigation Process 2024. Collection method: clinical testing. Allele origin: germline.

Blueprint Genetics
Classification: Likely benign. Last evaluated: 2024-11-13. Review status: criteria provided, single submitter. Criteria: ACMG Guidelines, 2015. Collection method: clinical testing. Allele origin: germline.

Women's Health and Genetics/Laboratory Corporation of America, LabCorp
Classification: Benign. Last evaluated: 2023-05-15. Review status: criteria provided, single submitter. Criteria: LabCorp Variant Classification Summary - May 2015. Collection method: clinical testing. Allele origin: germline.
Comment: Variant summary: CBL c.1380_1382dupTGA (p.Asp460dup) results in an in-frame duplication that is predicted to duplicate one amino acid into the encoded protein. The variant allele was found at a frequency of 0.00078 in 250258 control chromosomes (gnomAD). The observed variant frequency is approximately 312 fold of the estimated maximal expected allele frequency for a pathogenic variant in CBL causing Noonan Syndrome And Related Conditions (2.5e-06), strongly suggesting that the variant is benign. To our knowledge, no occurrence of c.1380_1382dupTGA in individuals affected with Noonan Syndrome And Related Conditions and no experimental evidence demonstrating its impact on protein function have been reported. Five ClinVar submitters have assessed the variant since 2014: four classified the variant as likely benign, and one as benign. Based on the evidence outlined above, the variant was classified as benign.

Genetic Services Laboratory, University of Chicago
Classification: Likely benign. Last evaluated: 2021-02-02. Review status: criteria provided, single submitter. Criteria: ACMG Guidelines, 2015. Collection method: clinical testing. Allele origin: germline. Affected: no.

GeneDx
Classification: Benign. Last evaluated: 2020-06-03. Review status: criteria provided, single submitter. Criteria: GeneDx Variant Classification Process June 2021. Collection method: clinical testing. Allele origin: germline. Affected: yes.
Comment: This variant is associated with the following publications: (PMID: 32041989)

Laboratory for Molecular Medicine, Mass General Brigham Personalized Medicine
Classification: Likely benign. Last evaluated: 2017-04-10. Review status: criteria provided, single submitter. Criteria: LMM Criteria. Collection method: clinical testing. Allele origin: germline. Observed: 5 variant alleles.
Comment: p.Asp460dup in exon 9 of CBL: This variant is not expected to have clinical sign ificance because it has been identified in 0.5% (126/25640) Finnish chromosomes by the Genome Aggregation Database (gnomAD; db SNP rs777654641).

Literature cited by the submitters: PubMed 25224413 (cited by Women's Health and Genetics/Laboratory Corporation of America, LabCorp); PubMed 21828135 (cited by Women's Health and Genetics/Laboratory Corporation of America, LabCorp); PubMed 23690417 (cited by Women's Health and Genetics/Laboratory Corporation of America, LabCorp); PubMed 19387008 (cited by Women's Health and Genetics/Laboratory Corporation of America, LabCorp); PubMed 19901108 (cited by Women's Health and Genetics/Laboratory Corporation of America, LabCorp); PubMed 20951944 (cited by Women's Health and Genetics/Laboratory Corporation of America, LabCorp); PubMed 19620960 (cited by Women's Health and Genetics/Laboratory Corporation of America, LabCorp); PubMed 22733026 (cited by Women's Health and Genetics/Laboratory Corporation of America, LabCorp); PubMed 29296819 (cited by Women's Health and Genetics/Laboratory Corporation of America, LabCorp); PubMed 20619386 (cited by Women's Health and Genetics/Laboratory Corporation of America, LabCorp); PubMed 23010802 (cited by Women's Health and Genetics/Laboratory Corporation of America, LabCorp); PubMed 27069254 (cited by Women's Health and Genetics/Laboratory Corporation of America, LabCorp); PubMed 27229713 (cited by Laboratory for Molecular Medicine, Mass General Brigham Personalized Medicine).

NM_005188.4(CBL):c.1365TGA[7] (p.Asp460dup)

Gene: CBL (Cbl proto-oncogene; plus strand). Cytogenetic location: 11q23.3.
Variant type: Microsatellite.
Coding change: c.1365TGA[7] on transcript NM_005188.4 (MANE Select); seven copies in a row of the 3-base unit TGA starting at c.1365; the reference has six copies in a row; one copy, 3 bases duplicated; also written c.1380_1382dup.
Protein change: p.Asp460dup; duplicates aspartic acid 460.
Molecular consequence: inframe insertion.
Genome position (GRCh38, 1-based): chr11:119,278,662-119,278,664, TGA duplicated; duplicating any 3 consecutive bases within chr11:119,278,646-119,278,664 gives the same sequence; the position shown is the placement nearest the transcript's 3' end. VCF-style (leftmost placement, unchanged base first): chr11-119278645-T-TATG. GRCh37 (hg19) VCF-style: chr11-119149355-T-TATG.
Other names: p.Asp460_Glu461insAsp; c.1380_1382dupTGA (NM_005188.2, NM_005188.3); c.1380_1382dup (NM_005188.3).
Identifiers: ClinVar variation 45200 (VCV000045200.49), dbSNP rs397507494, ClinGen allele CA135703.